The following is an entry in ClinVar:

ClinVar aggregate classification (germline): Uncertain significance (1 of 4 stars; one submission).

Submission:

GeneDx
Classification: Uncertain significance. Last evaluated: 2023-02-27. Review status: criteria provided, single submitter. Criteria: GeneDx Variant Classification Process June 2021. Collection method: clinical testing. Allele origin: germline. Affected: yes.
Comment: Not observed at significant frequency in large population cohorts (gnomAD); In silico analysis supports that this missense variant has a deleterious effect on protein structure/function; Has not been previously published as pathogenic or benign to our knowledge

NM_001110556.2(FLNA):c.3605G>A (p.Gly1202Glu)

Gene: FLNA (filamin A; minus strand). Cytogenetic location: Xq28.
Variant type: single nucleotide variant.
Coding change: c.3605G>A on transcript NM_001110556.2 (MANE Select); coding-DNA position 3605, G replaced by A.
Protein change: p.Gly1202Glu; replaces glycine 1202 with glutamic acid.
Molecular consequence: missense variant.
Genome position (GRCh38, 1-based): chrX:154,360,190, C>T on the plus strand (G>A on the coding strand, the complement: FLNA is on the minus strand). VCF-style: chrX-154360190-C-T. GRCh37 (hg19) VCF-style: chrX-153588558-C-T.
Other names: c.3605G>A, p.Gly1202Glu (NM_001456.4); short protein forms G1202E.
Identifiers: ClinVar variation 2579436 (VCV002579436.1), dbSNP rs2522740814, ClinGen allele CA415224007.